The following is an entry in ClinVar:

ClinVar aggregate classification (germline): Uncertain significance. Review status: criteria provided, multiple submitters, no conflicts (2 of 4 stars). 3 submissions from 3 submitters: Uncertain significance (3). Last evaluated 2026-01-11.

Conditions:
Aortic aneurysm, familial thoracic 4 (AAT4). Also called: AORTIC ANEURYSM/AORTIC DISSECTION AND PATENT DUCTUS ARTERIOSUS. Identifiers: MedGen C1851504, MONDO:0007568, OMIM 132900.
Familial thoracic aortic aneurysm and aortic dissection (TAAD). Also called: Thoracic aortic aneurysms and dissections. Identifiers: Orphanet 91387, MedGen C4707243, MONDO:0019625.

gnomAD v4.1: 6 of 1,614,162 alleles (0.00037%); highest among the groups gnomAD compares: Non-Finnish European, 0.00051%; no homozygotes.

Submissions (3):

Labcorp Genetics (formerly Invitae), Labcorp
Classification: Uncertain significance for Aortic aneurysm, familial thoracic 4. Last evaluated: 2026-01-11. Review status: criteria provided, single submitter. Criteria: Invitae Variant Classification Sherloc (09022015). Collection method: clinical testing. Allele origin: germline.
Comment: This sequence change replaces valine, which is neutral and non-polar, with leucine, which is neutral and non-polar, at codon 1317 of the MYH11 protein (p.Val1317Leu). This variant is not present in population databases (gnomAD no frequency). This variant has not been reported in the literature in individuals affected with MYH11-related conditions. ClinVar contains an entry for this variant (Variation ID: 918498). Invitae Evidence Modeling of protein sequence and biophysical properties (such as structural, functional, and spatial information, amino acid conservation, physicochemical variation, residue mobility, and thermodynamic stability) indicates that this missense variant is not expected to disrupt MYH11 protein function with a negative predictive value of 95%. In summary, the available evidence is currently insufficient to determine the role of this variant in disease. Therefore, it has been classified as a Variant of Uncertain Significance.

Ambry Genetics
Classification: Uncertain significance for Familial thoracic aortic aneurysm and aortic dissection. Last evaluated: 2025-10-01. Review status: criteria provided, single submitter. Criteria: Ambry Variant Classification Scheme 2023. Collection method: clinical testing. Allele origin: germline.
Comment: The p.V1310L variant (also known as c.3928G>T), located in coding exon 28 of the MYH11 gene, results from a G to T substitution at nucleotide position 3928. The valine at codon 1310 is replaced by leucine, an amino acid with highly similar properties. This amino acid position is well conserved in available vertebrate species. In addition, the in silico prediction for this alteration is inconclusive. Since supporting evidence is limited at this time, the clinical significance of this alteration remains unclear.

Color Diagnostics, LLC DBA Color Health
Classification: Uncertain significance for Familial thoracic aortic aneurysm and aortic dissection. Last evaluated: 2018-11-11. Review status: criteria provided, single submitter. Criteria: ACMG Guidelines, 2015. Collection method: clinical testing. Allele origin: germline.

NM_002474.3(MYH11):c.3928G>T (p.Val1310Leu)

Genes: NDE1 (nudE neurodevelopment protein 1; plus strand), MYH11 (myosin heavy chain 11; minus strand). Cytogenetic location: 16p13.11.
Variant type: single nucleotide variant.
Coding change: c.3928G>T on transcript NM_002474.3 (MANE Select); coding-DNA position 3928, G replaced by T.
Protein change: p.Val1310Leu; replaces valine 1310 with leucine.
Molecular consequence: missense variant. On other transcripts: 3 prime UTR variant (2).
Genome position (GRCh38, 1-based): chr16:15,724,923, C>A on the plus strand (G>T on the coding strand, the complement: MYH11 is on the minus strand). VCF-style: chr16-15724923-C-A. GRCh37 (hg19) VCF-style: chr16-15818780-C-A.
Other names: c.3949G>T, p.Val1317Leu (NM_001040113.2, NM_001040114.2); c.3928G>T, p.Val1310Leu (NM_022844.3); c.*672C>A (NM_001143979.2, NM_017668.3); short protein forms V1310L, V1317L.
Identifiers: ClinVar variation 918498 (VCV000918498.6), dbSNP rs7196804, ClinGen allele CA394858945.
Genomic context (GRCh38, chr16:15,724,923, plus strand): 5'-CTGGATGATGTGGCAGGACACTCACCTGGGTGTCCTGGAGCTGGGAACTGAGGGACGCCA[C>A]GTCCTTGGCCAGCTTAATGGCCTTCCCCTCGGCCTCGTTAAGCATCCCTGTGACGCTCTC-3'
Protein context (NP_002465.1, residues 1300-1320): EGKAIKLAKD[Val1310Leu]ASLSSQLQDT